The following is an entry in ClinVar:

ClinVar aggregate classification (germline): Likely pathogenic. Review status: criteria provided, multiple submitters, no conflicts (2 of 4 stars). 2 submissions from 2 submitters: Likely pathogenic (2). Last evaluated 2024-11-15.

Conditions:
Niemann-Pick disease, type A. Also called: SPHINGOMYELIN LIPIDOSIS; SPHINGOMYELINASE DEFICIENCY; Infantile Neurovisceral ASMD (Niemann-Pick Disease Type A; NPD-A). Identifiers: Orphanet 77292, MedGen C0268242, MONDO:0009756, OMIM 257200. Disease mechanism: loss of function.
Niemann-Pick disease, type B. Also called: Chronic Visceral ASMD (Niemann-Pick Disease Type B; NPD-B). Identifiers: Orphanet 77293, MedGen C0268243, MONDO:0011871, OMIM 607616. Disease mechanism: loss of function.

Allele frequency attached by ClinVar (database versions not stated): gnomAD exomes below 0.00001.

Submissions (2):

Natera, Inc.
Classification: Likely pathogenic for Niemann-Pick Disease, Types A/B. Last evaluated: 2024-11-15. Review status: criteria provided, single submitter. Criteria: Natera Variant Classification Schema (03/2026). Collection method: clinical testing. Allele origin: germline.
Comment: The c.1393T>C variant in SMPD1 is a missense variant predicted to cause substitution of phenylalanine to leucine at amino acid 465. This variant is rare in the general population with a frequency below the threshold expected for the associated phenotype(s). Another variant at this same site results in an alteration predicted to cause a similar molecular effect has been observed in individual(s) with the associated phenotype. A different variant at the same position has been determined to be Pathogenic or Likely Pathogenic. Computational prediction algorithms indicate this variant is likely to affect gene or protein function. Given the available evidence, this variant is classified as Likely Pathogenic.

Labcorp Genetics (formerly Invitae), Labcorp
Classification: Likely pathogenic for Niemann-Pick disease, type B; Niemann-Pick disease, type A. Last evaluated: 2022-11-29. Review status: criteria provided, single submitter. Criteria: Invitae Variant Classification Sherloc (09022015). Collection method: clinical testing. Allele origin: germline.
Comment: This variant has not been reported in the literature in individuals affected with SMPD1-related conditions. In summary, the currently available evidence indicates that the variant is pathogenic, but additional data are needed to prove that conclusively. Therefore, this variant has been classified as Likely Pathogenic. This variant disrupts the p.Phe465 amino acid residue in SMPD1. Other variant(s) that disrupt this residue have been determined to be pathogenic (PMID: 12556236, 22818240, 27338287). This suggests that this residue is clinically significant, and that variants that disrupt this residue are likely to be disease-causing. Advanced modeling of protein sequence and biophysical properties (such as structural, functional, and spatial information, amino acid conservation, physicochemical variation, residue mobility, and thermodynamic stability) performed at Invitae indicates that this missense variant is expected to disrupt SMPD1 protein function. ClinVar contains an entry for this variant (Variation ID: 1346088). This variant is present in population databases (no rsID available, gnomAD 0.0009%). This sequence change replaces phenylalanine, which is neutral and non-polar, with leucine, which is neutral and non-polar, at codon 465 of the SMPD1 protein (p.Phe465Leu).

Literature cited by the submitters: PubMed 12556236 (cited by Labcorp Genetics (formerly Invitae), Labcorp); PubMed 22818240 (cited by Labcorp Genetics (formerly Invitae), Labcorp); PubMed 27338287 (cited by Labcorp Genetics (formerly Invitae), Labcorp).

NM_000543.5(SMPD1):c.1393T>C (p.Phe465Leu)

Gene: SMPD1 (sphingomyelin phosphodiesterase 1; plus strand). Cytogenetic location: 11p15.4.
Variant type: single nucleotide variant.
Coding change: c.1393T>C on transcript NM_000543.5 (MANE Select); coding-DNA position 1393, T replaced by C.
Protein change: p.Phe465Leu; replaces phenylalanine 465 with leucine.
Molecular consequence: missense variant. On other transcripts: non-coding transcript variant (2).
Genome position (GRCh38, 1-based): chr11:6,393,948, T>C. VCF-style: chr11-6393948-T-C. GRCh37 (hg19) VCF-style: chr11-6415178-T-C.
Other names: c.1393T>C (NM_000543.4); c.1390T>C, p.Phe464Leu (NM_001007593.3); c.1393T>C, p.Phe465Leu (NM_001318087.2); c.472T>C, p.Phe158Leu (NM_001318088.2); c.1261T>C, p.Phe421Leu (NM_001365135.2); short protein forms F421L, F158L, F464L, F465L.
Identifiers: ClinVar variation 1346088 (VCV001346088.7), dbSNP rs1258231226, ClinGen allele CA379375015.